The following is an entry in ClinVar:

NM_002516.4(NOVA2):c.423G>A (p.Thr141=)

Gene: NOVA2 (NOVA alternative splicing regulator 2; minus strand). Cytogenetic location: 19q13.32.
Variant type: single nucleotide variant.
Coding change: c.423G>A on transcript NM_002516.4 (MANE Select); coding-DNA position 423, G replaced by A.
Protein change: p.Thr141=; no amino-acid change (threonine 141 retained).
Molecular consequence: synonymous variant.
Genome position (GRCh38, 1-based): chr19:45,940,919, C>T on the plus strand (G>A on the coding strand, the complement: NOVA2 is on the minus strand). VCF-style: chr19-45940919-C-T. GRCh37 (hg19) VCF-style: chr19-46444177-C-T.
Identifiers: ClinVar variation 2571049 (VCV002571049.27), dbSNP rs368021609, ClinGen allele CA9525414.

ClinVar aggregate classification (germline): Likely benign (1 of 4 stars; one submission).

Allele frequency attached by ClinVar (database versions not stated): gnomAD 0.00005; TOPMed 0.00006; ExAC 0.00010; ESP Exome Variant Server 0.00015.
gnomAD v4.1: 72 of 1,604,264 alleles (0.0045%); highest among the groups gnomAD compares: Non-Finnish European, 0.0057%; no homozygotes.

Submission:

CeGaT Center for Human Genetics Tuebingen
Classification: Likely benign. Last evaluated: 2026-09-01. Review status: criteria provided, single submitter. Criteria: CeGaT Center For Human Genetics Tuebingen Variant Classification Criteria Version 2. Collection method: clinical testing. Allele origin: germline. Affected: yes. Observed: 3 variant alleles.
Comment: NOVA2: BP4, BP7